The following is an entry in ClinVar:

NM_000138.5(FBN1):c.6265G>T (p.Gly2089Ter)

Gene: FBN1 (fibrillin 1; minus strand). Cytogenetic location: 15q21.1.
Variant type: single nucleotide variant.
Coding change: c.6265G>T on transcript NM_000138.5 (MANE Select); coding-DNA position 6265, G replaced by T.
Protein change: p.Gly2089Ter; replaces glycine 2089 with a stop codon.
Molecular consequence: nonsense.
Genome position (GRCh38, 1-based): chr15:48,437,816, C>A on the plus strand (G>T on the coding strand, the complement: FBN1 is on the minus strand). VCF-style: chr15-48437816-C-A. GRCh37 (hg19) VCF-style: chr15-48730013-C-A.
Other names: c.6265G>T, p.Gly2089Ter (NM_001406716.1); short protein forms G2089*.
Identifiers: ClinVar variation 4993859 (VCV004993859.1).

ClinVar aggregate classification (germline): Pathogenic (1 of 4 stars; one submission).

Conditions:
FBN1-related disorder. Also called: FBN1-related disorders.

Submission:

PreventionGenetics, part of Exact Sciences
Classification: Pathogenic for FBN1-related condition. Last evaluated: 2025-10-13. Review status: criteria provided, single submitter. Criteria: ACMG Guidelines, 2015. Collection method: clinical testing. Allele origin: germline.
Comment: The FBN1 c.6265G>T variant is predicted to result in premature protein termination (p.Gly2089*). To our knowledge, this variant has not been reported in the literature or in a large population database (gnomAD), indicating this variant is rare. Nonsense variants in FBN1 are expected to be pathogenic. This variant is interpreted as pathogenic.